The following is an entry in ClinVar:

ClinVar aggregate classification (germline): Likely pathogenic (1 of 4 stars; one submission).

Conditions:
Primary ciliary dyskinesia 3. Identifiers: Orphanet 244, MedGen C1837618, MONDO:0012085, OMIM 608644.

Submission:

Myriad Genetics, Inc.
Classification: Likely pathogenic for Primary ciliary dyskinesia 3. Last evaluated: 2022-05-08. Review status: criteria provided, single submitter. Criteria: Myriad Women's Health Autosomal Recessive and X-Linked Classification Criteria (2021). Collection method: clinical testing. Allele origin: unknown.
Comment: NM_001369.2(DNAH5):c.3945delA(V1316Sfs*5) is expected to be pathogenic in the context of DNAH5-related primary ciliary dyskinesia. This variant is predicted to lead to an abnormal or absent protein product due to the creation of a premature termination codon in DNAH5, a gene where loss-of-function variants are known to be pathogenic. Please note: this variant was assessed in the context of healthy population screening.

NM_001369.3(DNAH5):c.3945del (p.Val1316fs)

Genes: DNAH5 (dynein axonemal heavy chain 5; minus strand), DNAH5-AS1 (DNAH5 antisense RNA 1; plus strand). Cytogenetic location: 5p15.2.
Variant type: Deletion.
Coding change: c.3945del on transcript NM_001369.3 (MANE Select); coding-DNA position 3945, one base deleted (A; older notation c.3945delA).
Protein change: p.Val1316fs; shifts the reading frame from valine 1316.
Molecular consequence: frameshift variant.
Genome position (GRCh38, 1-based): chr5:13,867,882, T deleted on the plus strand (A on the coding strand, the reverse complement: DNAH5 is on the minus strand); the first of 2 consecutive T bases (chr5:13,867,882-13,867,883); deleting either gives the same sequence. VCF-style (leftmost placement, unchanged base first): chr5-13867881-CT-C. GRCh37 (hg19) VCF-style: chr5-13867990-CT-C.
Other names: short protein forms V1316fs.
Identifiers: ClinVar variation 1726032 (VCV001726032.2), dbSNP rs2546988316, ClinGen allele CA2580072183.